The following is an entry in ClinVar:

NM_052844.4(DYNC2I2):c.655G>A (p.Ala219Thr)

Gene: DYNC2I2 (dynein 2 intermediate chain 2; minus strand). Cytogenetic location: 9q34.11.
Variant type: single nucleotide variant.
Coding change: c.655G>A on transcript NM_052844.4 (MANE Select); coding-DNA position 655, G replaced by A.
Protein change: p.Ala219Thr; replaces alanine 219 with threonine.
Molecular consequence: missense variant.
Genome position (GRCh38, 1-based): chr9:128,636,329, C>T on the plus strand (G>A on the coding strand, the complement: DYNC2I2 is on the minus strand). VCF-style: chr9-128636329-C-T. GRCh37 (hg19) VCF-style: chr9-131398608-C-T.
Other names: c.655G>A (NM_052844.3); short protein forms A219T.
Identifiers: ClinVar variation 2167692 (VCV002167692.5), dbSNP rs767406769, ClinGen allele CA5266534.

ClinVar aggregate classification (germline): Uncertain significance. Review status: criteria provided, multiple submitters, no conflicts (2 of 4 stars). 2 submissions from 2 submitters: Uncertain significance (2). Last evaluated 2025-03-03.

Conditions:
Short-rib thoracic dysplasia 11 with or without polydactyly (SRTD11). Also called: SHORT-RIB THORACIC DYSPLASIA 11 WITHOUT POLYDACTYLY. Identifiers: Orphanet 474, Orphanet 93271, MedGen C3810200, MONDO:0014287, OMIM 615633.
Inborn genetic diseases. Identifiers: MedGen C0950123, MeSH D030342.

Allele frequency attached by ClinVar (database versions not stated): gnomAD 0.00001; gnomAD exomes 0.00001; ExAC 0.00002; TOPMed 0.00003.
gnomAD v4.1: 18 of 1,596,090 alleles (0.0011%); highest among the groups gnomAD compares: Admixed American, 0.0017%; no homozygotes.

Submissions (2):

Labcorp Genetics (formerly Invitae), Labcorp
Classification: Uncertain significance for Short-rib thoracic dysplasia 11 with or without polydactyly. Last evaluated: 2025-03-03. Review status: criteria provided, single submitter. Criteria: Invitae Variant Classification Sherloc (09022015). Collection method: clinical testing. Allele origin: germline.
Comment: This sequence change replaces alanine, which is neutral and non-polar, with threonine, which is neutral and polar, at codon 219 of the WDR34 protein (p.Ala219Thr). The frequency data for this variant in the population databases is considered unreliable, as metrics indicate poor data quality at this position in the gnomAD database. This variant has not been reported in the literature in individuals affected with WDR34-related conditions. ClinVar contains an entry for this variant (Variation ID: 2167692). An algorithm developed to predict the effect of missense changes on protein structure and function (PolyPhen-2) suggests that this variant is likely to be tolerated. In summary, the available evidence is currently insufficient to determine the role of this variant in disease. Therefore, it has been classified as a Variant of Uncertain Significance.

Ambry Genetics
Classification: Uncertain significance for Inborn genetic diseases. Last evaluated: 2025-01-22. Review status: criteria provided, single submitter. Criteria: Ambry Variant Classification Scheme 2023. Collection method: clinical testing. Allele origin: germline.